The following is an entry in ClinVar:

ClinVar aggregate classification (germline): Uncertain significance. Review status: criteria provided, multiple submitters, no conflicts (2 of 4 stars). 2 submissions from 2 submitters: Uncertain significance (2). Last evaluated 2025-12-01.

Conditions:
Ellis-van Creveld syndrome (EVC). Also called: MESOECTODERMAL DYSPLASIA; EVC-Related Ellis-van Creveld Syndrome; EVC2-Related Ellis-van Creveld Syndrome; Chondroectodermal dysplasia. Identifiers: Orphanet 289, MedGen C0013903, MONDO:0009162, OMIM 225500.
Curry-Hall syndrome (WAD). Also called: WEYERS ACRODENTAL DYSOSTOSIS. Identifiers: Orphanet 952, MedGen C0457013, MONDO:0008673, OMIM 193530.

gnomAD v4.1: 23 of 1,614,092 alleles (0.0014%); highest among the groups gnomAD compares: South Asian, 0.0033%; no homozygotes.

Submissions (2):

Women's Health and Genetics/Laboratory Corporation of America, LabCorp
Classification: Uncertain significance. Last evaluated: 2025-12-01. Review status: criteria provided, single submitter. Criteria: LabCorp Variant Classification Summary - May 2015. Collection method: clinical testing. Allele origin: germline.
Comment: Variant summary: EVC c.1124G>A (p.Arg375Gln) results in a conservative amino acid change in the encoded protein sequence. Algorithms developed to predict the effect of missense changes on protein structure and function all suggest that this variant is likely to be tolerated. The variant allele was found at a frequency of 2e-05 in 251242 control chromosomes. The available data on variant occurrences in the general population are insufficient to allow any conclusion about variant significance. To our knowledge, no occurrence of c.1124G>A in individuals affected with EVC-related conditions and no experimental evidence demonstrating its impact on protein function have been reported. ClinVar contains an entry for this variant (Variation ID: 3891474). Based on the evidence outlined above, the variant was classified as uncertain significance.

Department of Pathology and Laboratory Medicine, Sinai Health System
Classification: Uncertain significance for Curry-Hall syndrome; Ellis-van Creveld syndrome. Last evaluated: 2022-09-16. Review status: criteria provided, single submitter. Criteria: ACMG Guidelines, 2015. Collection method: research. Allele origin: germline.

NM_153717.3(EVC):c.1124G>A (p.Arg375Gln)

Gene: EVC (EvC ciliary complex subunit 1; plus strand). Cytogenetic location: 4p16.2.
Variant type: single nucleotide variant.
Coding change: c.1124G>A on transcript NM_153717.3 (MANE Select); coding-DNA position 1124, G replaced by A.
Protein change: p.Arg375Gln; replaces arginine 375 with glutamine.
Molecular consequence: missense variant.
Genome position (GRCh38, 1-based): chr4:5,752,861, G>A. VCF-style: chr4-5752861-G-A. GRCh37 (hg19) VCF-style: chr4-5754588-G-A.
Other names: c.1124G>A, p.Arg375Gln (NM_001306090.2, NM_001306092.2); short protein forms R375Q.
Identifiers: ClinVar variation 3891474 (VCV003891474.2).